The following is an entry in ClinVar:

ClinVar aggregate classification (germline): Uncertain significance (1 of 4 stars; one submission).

Conditions:
Inborn genetic diseases. Identifiers: MedGen C0950123, MeSH D030342.

Allele frequency attached by ClinVar (database versions not stated): gnomAD exomes below 0.00001.
gnomAD v4.1: 2 of 1,610,938 alleles (0.00012%); highest among the groups gnomAD compares: South Asian, 0.0011%; no homozygotes.

Submission:

Ambry Genetics
Classification: Uncertain significance for Inborn genetic diseases. Last evaluated: 2021-06-27. Review status: criteria provided, single submitter. Criteria: Ambry Variant Classification Scheme 2023. Collection method: clinical testing. Allele origin: germline.
Comment: The p.A2286V variant (also known as c.6857C>T), located in coding exon 47 of the LRRK2 gene, results from a C to T substitution at nucleotide position 6857. The alanine at codon 2286 is replaced by valine, an amino acid with similar properties. This amino acid position is conserved. In addition, this alteration is predicted to be tolerated by in silico analysis. Since supporting evidence is limited at this time, the clinical significance of this alteration remains unclear.

NM_198578.4(LRRK2):c.6857C>T (p.Ala2286Val)

Gene: LRRK2 (leucine rich repeat kinase 2; plus strand). Cytogenetic location: 12q12.
Variant type: single nucleotide variant.
Coding change: c.6857C>T on transcript NM_198578.4 (MANE Select); coding-DNA position 6857, C replaced by T.
Protein change: p.Ala2286Val; replaces alanine 2286 with valine.
Molecular consequence: missense variant.
Genome position (GRCh38, 1-based): chr12:40,359,273, C>T. VCF-style: chr12-40359273-C-T. GRCh37 (hg19) VCF-style: chr12-40753075-C-T.
Other names: short protein forms A2286V.
Identifiers: ClinVar variation 1755815 (VCV001755815.2), dbSNP rs2500011874, ClinGen allele CA384411307.
Genomic context (GRCh38, chr12:40,359,273, plus strand): 5'-GTGGATACTCAATTTGCTGAGTGTGTTTTCTTTTTTTTTTGGCAAAGCTTAAAGGAGCTG[C>T]TCCTTTGAAGATACTAAATATAGGAAATGTCAGTACTCCATTGATGTGTTTGAGTGAATC-3'
Protein context (NP_940980.4, residues 2276-2296): EDKTVKLKGA[Ala2286Val]PLKILNIGNV